The following is an entry in ClinVar:

NM_001144950.2(SSC5D):c.52+40_52+41dup

Gene: SSC5D (scavenger receptor cysteine rich family member with 5 domains; plus strand). Cytogenetic location: 19q13.42.
Variant type: Duplication.
Coding change: c.52+40_52+41dup on transcript NM_001144950.2 (MANE Select); bases 40 to 41 of the intron after coding-DNA position 52, 2 bases duplicated (CC; older notation c.52+40_52+41dupCC).
Molecular consequence: intron variant.
Genome position (GRCh38, 1-based): chr19:55,489,072-55,489,073, CC duplicated; duplicating any 2 consecutive bases within chr19:55,489,063-55,489,073 gives the same sequence; the c. name uses the placement nearest the transcript's 3' end. VCF-style (leftmost placement, unchanged base first): chr19-55489062-G-GCC. GRCh37 (hg19) VCF-style: chr19-56000429-G-GCC.
Other names: c.52+40_52+41dup (NM_001195267.2).
Identifiers: ClinVar variation 3050761 (VCV003050761.2), dbSNP rs57080356, ClinGen allele CA310187051.

ClinVar aggregate classification (germline): Likely benign (0 of 4 stars; one submission).

Conditions:
SSC5D-related disorder. Also called: SSC5D-related condition.

Submission:

PreventionGenetics, part of Exact Sciences
Classification: Likely benign for SSC5D-related condition. Last evaluated: 2020-11-20. Review status: no assertion criteria provided. Collection method: clinical testing. Allele origin: germline.
Comment: This variant is classified as likely benign based on ACMG/AMP sequence variant interpretation guidelines (Richards et al. 2015 PMID: 25741868, with internal and published modifications).